The following is an entry in ClinVar:

NM_001122630.2(CDKN1C):c.-10-17G>A

Gene: CDKN1C (cyclin dependent kinase inhibitor 1C; minus strand). Cytogenetic location: 11p15.4.
Variant type: single nucleotide variant.
Coding change: c.-10-17G>A on transcript NM_001122630.2 (MANE Select); 17 bases into the intron before 10 bases upstream of the start codon, G replaced by A.
Molecular consequence: intron variant. On other transcripts: missense variant (2).
Genome position (GRCh38, 1-based): chr11:2,885,483, C>T on the plus strand (G>A on the coding strand, the complement: CDKN1C is on the minus strand). VCF-style: chr11-2885483-C-T. GRCh37 (hg19) VCF-style: chr11-2906713-C-T.
Other names: c.7G>A, p.Asp3Asn (NM_000076.2, NM_001362474.2); c.-10-17G>A (NM_001362475.2, NM_001122631.2); short protein forms D3N.
Identifiers: ClinVar variation 1404247 (VCV001404247.8), dbSNP rs1452796504, ClinGen allele CA379148039.

ClinVar aggregate classification (germline): Uncertain significance (1 of 4 stars; one submission).

Conditions:
Beckwith-Wiedemann syndrome (BWS). Also called: EMG SYNDROME; Exomphalos macroglossia gigantism syndrome. Identifiers: Orphanet 116, MedGen C0004903, MONDO:0007534, OMIM 130650.

Allele frequency attached by ClinVar (database versions not stated): gnomAD 0.00001; TOPMed 0.00001.

Submission:

Labcorp Genetics (formerly Invitae), Labcorp
Classification: Uncertain significance for Beckwith-Wiedemann syndrome. Last evaluated: 2024-06-06. Review status: criteria provided, single submitter. Criteria: Invitae Variant Classification Sherloc (09022015). Collection method: clinical testing. Allele origin: germline.
Comment: This sequence change replaces aspartic acid, which is acidic and polar, with asparagine, which is neutral and polar, at codon 3 of the CDKN1C protein (p.Asp3Asn). This variant is not present in population databases (gnomAD no frequency). This variant has not been reported in the literature in individuals affected with CDKN1C-related conditions. ClinVar contains an entry for this variant (Variation ID: 1404247). An algorithm developed to predict the effect of missense changes on protein structure and function (PolyPhen-2) suggests that this variant is likely to be tolerated. In summary, the available evidence is currently insufficient to determine the role of this variant in disease. Therefore, it has been classified as a Variant of Uncertain Significance.